The following is an entry in ClinVar:

ClinVar aggregate classification (germline): Uncertain significance (1 of 4 stars; one submission).

Allele frequency attached by ClinVar (database versions not stated): gnomAD 0.00001; gnomAD exomes 0.00001; TOPMed 0.00001.
gnomAD v4.1: 8 of 1,613,824 alleles (0.0005%); highest among the groups gnomAD compares: South Asian, 0.0055%; no homozygotes.

Submission:

Labcorp Genetics (formerly Invitae), Labcorp
Classification: Uncertain significance. Last evaluated: 2023-11-24. Review status: criteria provided, single submitter. Criteria: Invitae Variant Classification Sherloc (09022015). Collection method: clinical testing. Allele origin: germline.
Comment: This sequence change replaces arginine, which is basic and polar, with glutamine, which is neutral and polar, at codon 514 of the PPP2R5D protein (p.Arg514Gln). This variant is present in population databases (no rsID available, gnomAD 0.006%). This variant has not been reported in the literature in individuals affected with PPP2R5D-related conditions. ClinVar contains an entry for this variant (Variation ID: 1469494). An algorithm developed to predict the effect of missense changes on protein structure and function (PolyPhen-2) suggests that this variant is likely to be tolerated. In summary, the available evidence is currently insufficient to determine the role of this variant in disease. Therefore, it has been classified as a Variant of Uncertain Significance.

NM_006245.4(PPP2R5D):c.1541G>A (p.Arg514Gln)

Gene: PPP2R5D (protein phosphatase 2 regulatory subunit B'delta; plus strand). Cytogenetic location: 6p21.1.
Variant type: single nucleotide variant.
Coding change: c.1541G>A on transcript NM_006245.4 (MANE Select); coding-DNA position 1541, G replaced by A.
Protein change: p.Arg514Gln; replaces arginine 514 with glutamine.
Molecular consequence: missense variant.
Genome position (GRCh38, 1-based): chr6:43,010,723, G>A. VCF-style: chr6-43010723-G-A. GRCh37 (hg19) VCF-style: chr6-42978461-G-A.
Other names: c.1088G>A, p.Arg363Gln (NM_001270476.2); c.1445G>A, p.Arg482Gln (NM_180976.3); c.1223G>A, p.Arg408Gln (NM_180977.3); short protein forms R363Q, R482Q, R408Q, R514Q.
Identifiers: ClinVar variation 1469494 (VCV001469494.8), dbSNP rs1369550378, ClinGen allele CA364142229.